The following is an entry in ClinVar:

ClinVar aggregate classification (germline): Uncertain significance. Review status: criteria provided, multiple submitters, no conflicts (2 of 4 stars). 2 submissions from 2 submitters: Uncertain significance (2). Last evaluated 2025-03-09.

Conditions:
Hereditary cancer-predisposing syndrome. Also called: Neoplastic Syndromes, Hereditary; Tumor predisposition; Hereditary Cancer Syndrome; Hereditary neoplastic syndrome. Identifiers: Orphanet 140162, MedGen C0027672, MeSH D009386, MONDO:0015356.

Submissions (2):

Labcorp Genetics (formerly Invitae), Labcorp
Classification: Uncertain significance. Last evaluated: 2025-03-09. Review status: criteria provided, single submitter. Criteria: Invitae Variant Classification Sherloc (09022015). Collection method: clinical testing. Allele origin: germline.
Comment: This sequence change replaces alanine, which is neutral and non-polar, with proline, which is neutral and non-polar, at codon 1349 of the POLE protein (p.Ala1349Pro). This variant is not present in population databases (gnomAD no frequency). This variant has not been reported in the literature in individuals affected with POLE-related conditions. ClinVar contains an entry for this variant (Variation ID: 473637). Invitae Evidence Modeling of protein sequence and biophysical properties (such as structural, functional, and spatial information, amino acid conservation, physicochemical variation, residue mobility, and thermodynamic stability) indicates that this missense variant is expected to disrupt POLE protein function with a positive predictive value of 80%. In summary, the available evidence is currently insufficient to determine the role of this variant in disease. Therefore, it has been classified as a Variant of Uncertain Significance.

Ambry Genetics
Classification: Uncertain significance for Hereditary cancer-predisposing syndrome. Last evaluated: 2025-03-03. Review status: criteria provided, single submitter. Criteria: Ambry Variant Classification Scheme 2023. Collection method: clinical testing. Allele origin: germline.
Comment: The p.A1349P variant (also known as c.4045G>C), located in coding exon 32 of the POLE gene, results from a G to C substitution at nucleotide position 4045. The alanine at codon 1349 is replaced by proline, an amino acid with highly similar properties. This amino acid position is conserved. In addition, the in silico prediction for this alteration is inconclusive. Based on the available evidence, the clinical significance of this variant remains unclear.

NM_006231.4(POLE):c.4045G>C (p.Ala1349Pro)

Gene: POLE (DNA polymerase epsilon, catalytic subunit; minus strand). Cytogenetic location: 12q24.33.
Variant type: single nucleotide variant.
Coding change: c.4045G>C on transcript NM_006231.4 (MANE Select); coding-DNA position 4045, G replaced by C.
Protein change: p.Ala1349Pro; replaces alanine 1349 with proline.
Molecular consequence: missense variant.
Genome position (GRCh38, 1-based): chr12:132,649,033, C>G on the plus strand (G>C on the coding strand, the complement: POLE is on the minus strand). VCF-style: chr12-132649033-C-G. GRCh37 (hg19) VCF-style: chr12-133225619-C-G.
Other names: short protein forms A1349P.
Identifiers: ClinVar variation 473637 (VCV000473637.12), dbSNP rs1555223876, ClinGen allele CA387383911.